The following is an entry in ClinVar:

NM_020297.4(ABCC9):c.4512+738G>A

Genes: ABCC9 (ATP binding cassette subfamily C member 9; minus strand), KCNJ8-AS1 (KCNJ8 antisense RNA 1; plus strand). Cytogenetic location: 12p12.1.
Variant type: single nucleotide variant.
Coding change: c.4512+738G>A on transcript NM_020297.4 (MANE Select); 738 bases into the intron after coding-DNA position 4512, G replaced by A.
Molecular consequence: intron variant. On other transcripts: missense variant (1).
Genome position (GRCh38, 1-based): chr12:21,805,260, C>T on the plus strand (G>A on the coding strand, the complement: ABCC9 is on the minus strand). VCF-style: chr12-21805260-C-T. GRCh37 (hg19) VCF-style: chr12-21958194-C-T.
Other names: c.4564G>A, p.Gly1522Ser (NM_005691.4); c.3645+738G>A (NM_001377274.1); c.4512+738G>A (NM_001377273.1); short protein forms G1522S.
Identifiers: ClinVar variation 1717039 (VCV001717039.5), dbSNP rs2137105002, ClinGen allele CA384129301.
Genomic context (GRCh38, chr12:21,805,260, plus strand): 5'-AAAAGAGGCCATTCTTGTGGGCGAGCAAATTTGGGACAGTATCACACTCCACTAAAATAC[C>T]CTCAGAAAAGACTAAAACAAGGCCTGCATCCATAATAGAAGAGACACGGTGCTGGAGAGA-3'

ClinVar aggregate classification (germline): Uncertain significance (1 of 4 stars; one submission).

Conditions:
Dilated cardiomyopathy 1O (CMD1O). Also called: CARDIOMYOPATHY, DILATED, WITH VENTRICULAR TACHYCARDIA. Identifiers: Orphanet 154, MedGen C1837839, MONDO:0012062, OMIM 608569.

Submission:

Labcorp Genetics (formerly Invitae), Labcorp
Classification: Uncertain significance for Dilated cardiomyopathy 1O. Last evaluated: 2024-11-04. Review status: criteria provided, single submitter. Criteria: Invitae Variant Classification Sherloc (09022015). Collection method: clinical testing. Allele origin: germline.
Comment: This sequence change replaces glycine, which is neutral and non-polar, with serine, which is neutral and polar, at codon 1522 of the ABCC9 protein (p.Gly1522Ser). This variant is not present in population databases (gnomAD no frequency). This variant has not been reported in the literature in individuals affected with ABCC9-related conditions. ClinVar contains an entry for this variant (Variation ID: 1717039). Invitae Evidence Modeling of protein sequence and biophysical properties (such as structural, functional, and spatial information, amino acid conservation, physicochemical variation, residue mobility, and thermodynamic stability) indicates that this missense variant is expected to disrupt ABCC9 protein function with a positive predictive value of 80%. In summary, the available evidence is currently insufficient to determine the role of this variant in disease. Therefore, it has been classified as a Variant of Uncertain Significance.